The following is an entry in ClinVar:

ClinVar aggregate classification (germline): Uncertain significance. Review status: criteria provided, multiple submitters, no conflicts (2 of 4 stars). 2 submissions from 2 submitters: Uncertain significance (2). Last evaluated 2025-10-07.

Conditions:
Inborn genetic diseases. Identifiers: MedGen C0950123, MeSH D030342.

Allele frequency attached by ClinVar (database versions not stated): gnomAD exomes below 0.00001.
gnomAD v4.1: 12 of 1,614,068 alleles (0.00074%); highest among the groups gnomAD compares: Admixed American, 0.015%; no homozygotes.

Submissions (2):

Ambry Genetics
Classification: Uncertain significance for Inborn genetic diseases. Last evaluated: 2025-10-07. Review status: criteria provided, single submitter. Criteria: Ambry Variant Classification Scheme 2023. Collection method: clinical testing. Allele origin: germline.

Labcorp Genetics (formerly Invitae), Labcorp
Classification: Uncertain significance. Last evaluated: 2022-06-13. Review status: criteria provided, single submitter. Criteria: Invitae Variant Classification Sherloc (09022015). Collection method: clinical testing. Allele origin: germline.
Comment: This sequence change replaces valine, which is neutral and non-polar, with methionine, which is neutral and non-polar, at codon 571 of the PTPN23 protein (p.Val571Met). This variant is present in population databases (no rsID available, gnomAD 0.003%). This variant has not been reported in the literature in individuals affected with PTPN23-related conditions. Algorithms developed to predict the effect of missense changes on protein structure and function are either unavailable or do not agree on the potential impact of this missense change (SIFT: "Tolerated"; PolyPhen-2: "Not Available"; Align-GVGD: "Class C0"). In summary, the available evidence is currently insufficient to determine the role of this variant in disease. Therefore, it has been classified as a Variant of Uncertain Significance.

NM_015466.4(PTPN23):c.1711G>A (p.Val571Met)

Gene: PTPN23 (protein tyrosine phosphatase non-receptor type 23; plus strand). Cytogenetic location: 3p21.31.
Variant type: single nucleotide variant.
Coding change: c.1711G>A on transcript NM_015466.4 (MANE Select); coding-DNA position 1711, G replaced by A.
Protein change: p.Val571Met; replaces valine 571 with methionine.
Molecular consequence: missense variant.
Genome position (GRCh38, 1-based): chr3:47,409,231, G>A. VCF-style: chr3-47409231-G-A. GRCh37 (hg19) VCF-style: chr3-47450721-G-A.
Other names: c.1333G>A, p.Val445Met (NM_001304482.2); c.1711G>A (NM_015466.2); short protein forms V445M, V571M.
Identifiers: ClinVar variation 1497635 (VCV001497635.4), dbSNP rs1003495914, ClinGen allele CA352554730.